The following is an entry in ClinVar:

NM_001378477.3(NYX):c.1155G>C (p.Glu385Asp)

Gene: NYX (nyctalopin; plus strand). Cytogenetic location: Xp11.4.
Variant type: single nucleotide variant.
Coding change: c.1155G>C on transcript NM_001378477.3 (MANE Select); coding-DNA position 1155, G replaced by C.
Protein change: p.Glu385Asp; replaces glutamic acid 385 with aspartic acid.
Molecular consequence: missense variant.
Genome position (GRCh38, 1-based): chrX:41,474,623, G>C. VCF-style: chrX-41474623-G-C. GRCh37 (hg19) VCF-style: chrX-41333876-G-C.
Other names: c.1155G>C, p.Glu385Asp (NM_022567.3); short protein forms E385D.
Identifiers: ClinVar variation 1915373 (VCV001915373.5), dbSNP rs371445863, ClinGen allele CA329217083.

ClinVar aggregate classification (germline): Uncertain significance (1 of 4 stars; one submission).

Allele frequency attached by ClinVar (database versions not stated): TOPMed 0.00001; gnomAD exomes 0.00002; gnomAD 0.00004; ESP Exome Variant Server 0.00009.
gnomAD v4.1: 25 of 1,198,434 alleles (0.0021%); highest among the groups gnomAD compares: African/African-American, 0.0035%; no homozygotes.

Submission:

Labcorp Genetics (formerly Invitae), Labcorp
Classification: Uncertain significance. Last evaluated: 2025-03-31. Review status: criteria provided, single submitter. Criteria: Invitae Variant Classification Sherloc (09022015). Collection method: clinical testing. Allele origin: germline.
Comment: This sequence change replaces glutamic acid, which is acidic and polar, with aspartic acid, which is acidic and polar, at codon 390 of the NYX protein (p.Glu390Asp). This variant is present in population databases (rs371445863, gnomAD 0.01%). This variant has not been reported in the literature in individuals affected with NYX-related conditions. ClinVar contains an entry for this variant (Variation ID: 1915373). An algorithm developed to predict the effect of missense changes on protein structure and function outputs the following: PolyPhen-2: "Benign". The aspartic acid amino acid residue is found in multiple mammalian species, which suggests that this missense change does not adversely affect protein function. In summary, the available evidence is currently insufficient to determine the role of this variant in disease. Therefore, it has been classified as a Variant of Uncertain Significance.